The following is an entry in ClinVar:

ClinVar aggregate classification (germline): Uncertain significance (1 of 4 stars; one submission).

Conditions:
Hereditary breast ovarian cancer syndrome. Also called: Breast and ovarian cancer; BRCA1- and BRCA2-Associated Hereditary Breast and Ovarian Cancer; Hereditary breast and ovarian cancer; Hereditary breast and ovarian cancer syndrome (HBOC); Hereditary breast and/or ovarian cancer syndrome; Hereditary breast and ovarian cancer syndrome. Identifiers: Orphanet 145, MedGen C0677776, MeSH D061325, MONDO:0003582. Disease mechanism: loss of function.

Submission:

Labcorp Genetics (formerly Invitae), Labcorp
Classification: Uncertain significance for Hereditary breast ovarian cancer syndrome. Last evaluated: 2018-08-08. Review status: criteria provided, single submitter. Criteria: Invitae Variant Classification Sherloc (09022015). Collection method: clinical testing. Allele origin: germline.
Comment: In summary, the available evidence is currently insufficient to determine the role of this variant in disease. Therefore, it has been classified as a Variant of Uncertain Significance. Algorithms developed to predict the effect of missense changes on protein structure and function are either unavailable or do not agree on the potential impact of this missense change (SIFT: "Tolerated"; PolyPhen-2: "Possibly Damaging"; Align-GVGD: "Class C0"). This variant has not been reported in the literature in individuals with BRCA2-related disease. This variant is not present in population databases (ExAC no frequency). This sequence change replaces lysine with threonine at codon 241 of the BRCA2 protein (p.Lys241Thr). The lysine residue is moderately conserved and there is a moderate physicochemical difference between lysine and threonine.

NM_000059.4(BRCA2):c.722A>C (p.Lys241Thr)

Gene: BRCA2 (BRCA2 DNA repair associated; plus strand). Cytogenetic location: 13q13.1.
Variant type: single nucleotide variant.
Coding change: c.722A>C on transcript NM_000059.4 (MANE Select); coding-DNA position 722, A replaced by C.
Protein change: p.Lys241Thr; replaces lysine 241 with threonine.
Molecular consequence: missense variant.
Genome position (GRCh38, 1-based): chr13:32,330,959, A>C. VCF-style: chr13-32330959-A-C. GRCh37 (hg19) VCF-style: chr13-32905096-A-C.
Other names: short protein forms K241T.
Identifiers: ClinVar variation 648420 (VCV000648420.9), dbSNP rs1566221375, ClinGen allele CA387759990.